The following is an entry in ClinVar:

NM_006015.6(ARID1A):c.1266C>T (p.Tyr422=)

Gene: ARID1A (AT-rich interaction domain 1A; plus strand). Cytogenetic location: 1p36.11.
Variant type: single nucleotide variant.
Coding change: c.1266C>T on transcript NM_006015.6 (MANE Select); coding-DNA position 1266, C replaced by T.
Protein change: p.Tyr422=; no amino-acid change (tyrosine 422 retained).
Molecular consequence: synonymous variant.
Genome position (GRCh38, 1-based): chr1:26,729,779, C>T. VCF-style: chr1-26729779-C-T. GRCh37 (hg19) VCF-style: chr1-27056270-C-T.
Other names: c.1266C>T, p.Tyr422= (NM_139135.4).
Identifiers: ClinVar variation 1232241 (VCV001232241.36), dbSNP rs144272459, ClinGen allele CA706746.

ClinVar aggregate classification (germline): Benign/Likely benign. Review status: criteria provided, multiple submitters, no conflicts (2 of 4 stars). 6 submissions from 6 submitters: Benign (4); Likely benign (2). Last evaluated 2026-07-01.

Conditions:
Intellectual disability, autosomal dominant 14 (CSS2). Also called: COFFIN-SIRIS SYNDROME 2. Identifiers: Orphanet 1465, MedGen C3553247, MONDO:0013819, OMIM 614607.

Allele frequency attached by ClinVar (database versions not stated): ESP Exome Variant Server 0.00023; gnomAD 0.00027 and 0.00039; TOPMed 0.00028; gnomAD exomes 0.00046 and 0.00081; 1000 Genomes Project 0.00060; 1000 Genomes Project 30x 0.00062; ExAC 0.00086.
gnomAD v4.1: 740 of 1,614,252 alleles (0.046%); highest among the groups gnomAD compares: South Asian, 0.46%; 6 homozygotes.

Submissions (6):

CeGaT Center for Human Genetics Tuebingen
Classification: Likely benign. Last evaluated: 2026-07-01. Review status: criteria provided, single submitter. Criteria: CeGaT Center For Human Genetics Tuebingen Variant Classification Criteria Version 2. Collection method: clinical testing. Allele origin: germline. Affected: yes. Observed: 6 variant alleles.
Comment: ARID1A: BP4, BP7, BS1

Labcorp Genetics (formerly Invitae), Labcorp
Classification: Benign. Last evaluated: 2025-12-22. Review status: criteria provided, single submitter. Criteria: Invitae Variant Classification Sherloc (09022015). Collection method: clinical testing. Allele origin: germline.

Blueprint Genetics
Classification: Likely benign. Last evaluated: 2024-11-13. Review status: criteria provided, single submitter. Criteria: ACMG Guidelines, 2015. Collection method: clinical testing. Allele origin: germline.

Genome-Nilou Lab
Classification: Benign for Intellectual disability, autosomal dominant 14. Last evaluated: 2021-12-05. Review status: criteria provided, single submitter. Criteria: ACMG Guidelines, 2015. Collection method: clinical testing. Allele origin: germline. Affected: no.

GeneDx
Classification: Benign. Last evaluated: 2021-03-03. Review status: criteria provided, single submitter. Criteria: GeneDx Variant Classification Process June 2021. Collection method: clinical testing. Allele origin: germline. Affected: yes.

Breakthrough Genomics
Classification: Benign. Review status: criteria provided, single submitter. Criteria: ACMG Guidelines, 2015. Collection method: not provided. Allele origin: germline. Inheritance: Autosomal dominant inheritance. Affected: yes.